The following is an entry in ClinVar:

ClinVar aggregate classification (germline): Likely benign. Review status: criteria provided, multiple submitters, no conflicts (2 of 4 stars). 3 submissions from 3 submitters: Likely benign (3). Last evaluated 2026-06-26.

Conditions:
COL4A3-related disorder. Also called: COL4A3-Related Disorders; COL4A3-related condition.

Allele frequency attached by ClinVar (database versions not stated): 1000 Genomes Project 0.00020; TOPMed 0.00021; 1000 Genomes Project 30x 0.00031; gnomAD 0.00057 and 0.00062.
gnomAD v4.1: 88 of 152,228 alleles (0.058%); highest among the groups gnomAD compares: Non-Finnish European, 0.057%; no homozygotes.

Submissions (3):

PreventionGenetics, part of Exact Sciences
Classification: Likely benign for COL4A3-related condition. Last evaluated: 2026-06-26. Review status: criteria provided, single submitter. Criteria: ACMG Guidelines, 2015. Collection method: clinical testing. Allele origin: germline.
Comment: This variant is classified as likely benign based on ACMG/AMP sequence variant interpretation guidelines (Richards et al. 2015 PMID: 25741868, with internal and published modifications).

Labcorp Genetics (formerly Invitae), Labcorp
Classification: Likely benign. Last evaluated: 2026-02-04. Review status: criteria provided, single submitter. Criteria: Invitae Variant Classification Sherloc (09022015). Collection method: clinical testing. Allele origin: germline.

Blueprint Genetics
Classification: Likely benign. Last evaluated: 2024-07-02. Review status: criteria provided, single submitter. Criteria: ACMG Guidelines, 2015. Collection method: clinical testing. Allele origin: germline.

NM_000091.5(COL4A3):c.4462+457C>T

Genes: COL4A3 (collagen type IV alpha 3 chain; plus strand), MFF-DT (MFF divergent transcript; minus strand). Cytogenetic location: 2q36.3.
Variant type: single nucleotide variant.
Coding change: c.4462+457C>T on transcript NM_000091.5 (MANE Select); 457 bases into the intron after coding-DNA position 4462, C replaced by T.
Molecular consequence: intron variant.
Genome position (GRCh38, 1-based): chr2:227,308,376, C>T. VCF-style: chr2-227308376-C-T. GRCh37 (hg19) VCF-style: chr2-228173092-C-T.
Other names: c.4462+457C>T (NM_000091.4).
Identifiers: ClinVar variation 1594752 (VCV001594752.10), dbSNP rs536172088, ClinGen allele CA66620637.